The following is an entry in ClinVar:

NM_005732.4(RAD50):c.3055C>T (p.Gln1019Ter)

Gene: RAD50 (RAD50 double strand break repair protein; plus strand). Cytogenetic location: 5q31.1.
Variant type: single nucleotide variant.
Coding change: c.3055C>T on transcript NM_005732.4 (MANE Select); coding-DNA position 3055, C replaced by T.
Protein change: p.Gln1019Ter; replaces glutamine 1019 with a stop codon.
Molecular consequence: nonsense.
Genome position (GRCh38, 1-based): chr5:132,616,021, C>T. VCF-style: chr5-132616021-C-T. GRCh37 (hg19) VCF-style: chr5-131951713-C-T.
Other names: short protein forms Q1019*.
Identifiers: ClinVar variation 822738 (VCV000822738.4), dbSNP rs1233081327, ClinGen allele CA360963434.

ClinVar aggregate classification (germline): Pathogenic (1 of 4 stars; one submission).

Conditions:
Hereditary cancer-predisposing syndrome. Also called: Tumor predisposition; Hereditary Cancer Syndrome; Neoplastic Syndromes, Hereditary; Hereditary neoplastic syndrome. Identifiers: Orphanet 140162, MedGen C0027672, MeSH D009386, MONDO:0015356.

Allele frequency attached by ClinVar (database versions not stated): gnomAD exomes below 0.00001.
gnomAD v4.1: 3 of 1,588,564 alleles (0.00019%); highest among the groups gnomAD compares: Non-Finnish European, 0.00026%; no homozygotes.

Submission:

Ambry Genetics
Classification: Pathogenic for Hereditary cancer-predisposing syndrome. Last evaluated: 2018-11-07. Review status: criteria provided, single submitter. Criteria: Ambry Variant Classification Scheme 2023. Collection method: clinical testing. Allele origin: germline.
Comment: The p.Q1019* pathogenic mutation (also known as c.3055C>T), located in coding exon 20 of the RAD50 gene, results from a C to T substitution at nucleotide position 3055. This changes the amino acid from a glutamine to a stop codon within coding exon 20. This alteration is expected to result in loss of function by premature protein truncation or nonsense-mediated mRNA decay. As such, this alteration is interpreted as a disease-causing mutation.